The following is an entry in ClinVar:

ClinVar aggregate classification (germline): Conflicting classifications of pathogenicity. Review status: criteria provided, conflicting classifications (1 of 4 stars). 3 submissions from 3 submitters: Uncertain significance (1); Likely benign (1). 1 of the submissions does not count toward it. Last evaluated 2026-01-25.

Conditions:
COASY-related disorder. Also called: COASY-related condition.
Neurodegeneration with brain iron accumulation 6 (NBIA6). Also called: COASY protein-associated neurodegeneration. Identifiers: Orphanet 397725, MedGen C4517377, MONDO:0014290, OMIM 615643.

Allele frequency attached by ClinVar (database versions not stated): 1000 Genomes Project 30x 0.00031; gnomAD exomes 0.00031 and 0.00015; 1000 Genomes Project 0.00040; ESP Exome Variant Server 0.00138; TOPMed 0.00170; gnomAD 0.00171 and 0.00152; ExAC 0.00036.

Submissions (3):

Labcorp Genetics (formerly Invitae), Labcorp
Classification: Likely benign for Neurodegeneration with brain iron accumulation 6. Last evaluated: 2026-01-25. Review status: criteria provided, single submitter. Criteria: Invitae Variant Classification Sherloc (09022015). Collection method: clinical testing. Allele origin: germline.

GeneDx
Classification: Uncertain significance. Last evaluated: 2024-08-07. Review status: criteria provided, single submitter. Criteria: GeneDx Variant Classification Process June 2021. Collection method: clinical testing. Allele origin: germline. Affected: yes.
Comment: In silico analysis supports that this missense variant has a deleterious effect on protein structure/function; Has not been previously published as pathogenic or benign to our knowledge

PreventionGenetics, part of Exact Sciences
Classification: Likely benign for COASY-related condition. Last evaluated: 2023-11-22. Review status: no assertion criteria provided. Collection method: clinical testing. Allele origin: germline. Not counted in ClinVar's aggregate classification.
Comment: This variant is classified as likely benign based on ACMG/AMP sequence variant interpretation guidelines (Richards et al. 2015 PMID: 25741868, with internal and published modifications).

NM_025233.7(COASY):c.802C>T (p.Pro268Ser)

Gene: COASY (Coenzyme A synthase; plus strand). Cytogenetic location: 17q21.2.
Variant type: single nucleotide variant.
Coding change: c.802C>T on transcript NM_025233.7 (MANE Select); coding-DNA position 802, C replaced by T.
Protein change: p.Pro268Ser; replaces proline 268 with serine.
Molecular consequence: missense variant.
Genome position (GRCh38, 1-based): chr17:42,564,062, C>T. VCF-style: chr17-42564062-C-T. GRCh37 (hg19) VCF-style: chr17-40716080-C-T.
Other names: c.802C>T, p.Pro268Ser (NM_001042529.3); c.889C>T, p.Pro297Ser (NM_001042532.4); short protein forms P297S, P268S.
Identifiers: ClinVar variation 767101 (VCV000767101.14), dbSNP rs143964295, ClinGen allele CA8578063.